The following is an entry in ClinVar:

ClinVar aggregate classification (germline): Uncertain significance. Review status: criteria provided, multiple submitters, no conflicts (2 of 4 stars). 2 submissions from 2 submitters: Uncertain significance (2). Last evaluated 2024-04-29.

gnomAD v4.1: 7 of 1,609,086 alleles (0.00044%); highest among the groups gnomAD compares: South Asian, 0.0011%; no homozygotes.

Submissions (2):

Labcorp Genetics (formerly Invitae), Labcorp
Classification: Uncertain significance. Last evaluated: 2024-04-29. Review status: criteria provided, single submitter. Criteria: Invitae Variant Classification Sherloc (09022015). Collection method: clinical testing. Allele origin: germline.
Comment: This sequence change replaces aspartic acid, which is acidic and polar, with glutamic acid, which is acidic and polar, at codon 1193 of the ABCA4 protein (p.Asp1193Glu). This variant is present in population databases (no rsID available, gnomAD 0.003%). This variant has not been reported in the literature in individuals affected with ABCA4-related conditions. Advanced modeling of protein sequence and biophysical properties (such as structural, functional, and spatial information, amino acid conservation, physicochemical variation, residue mobility, and thermodynamic stability) performed at Invitae indicates that this missense variant is not expected to disrupt ABCA4 protein function with a negative predictive value of 95%. In summary, the available evidence is currently insufficient to determine the role of this variant in disease. Therefore, it has been classified as a Variant of Uncertain Significance.

Blueprint Genetics
Classification: Uncertain significance. Last evaluated: 2023-04-20. Review status: criteria provided, single submitter. Criteria: ACMG Guidelines, 2015. Collection method: clinical testing. Allele origin: germline.

NM_000350.3(ABCA4):c.3579T>A (p.Asp1193Glu)

Gene: ABCA4 (ATP binding cassette subfamily A member 4; minus strand). Cytogenetic location: 1p22.1.
Variant type: single nucleotide variant.
Coding change: c.3579T>A on transcript NM_000350.3 (MANE Select); coding-DNA position 3579, T replaced by A.
Protein change: p.Asp1193Glu; replaces aspartic acid 1193 with glutamic acid.
Molecular consequence: missense variant.
Genome position (GRCh38, 1-based): chr1:94,040,071, A>T on the plus strand (T>A on the coding strand, the complement: ABCA4 is on the minus strand). VCF-style: chr1-94040071-A-T. GRCh37 (hg19) VCF-style: chr1-94505627-A-T.
Other names: c.3357T>A, p.Asp1119Glu (NM_001425324.1); short protein forms D1193E, D1119E.
Identifiers: ClinVar variation 3683998 (VCV003683998.3).